The following is an entry in ClinVar:

NM_173628.4(DNAH17):c.10444G>A (p.Asp3482Asn)

Gene: DNAH17 (dynein axonemal heavy chain 17; minus strand). Cytogenetic location: 17q25.3.
Variant type: single nucleotide variant.
Coding change: c.10444G>A on transcript NM_173628.4 (MANE Select); coding-DNA position 10444, G replaced by A.
Protein change: p.Asp3482Asn; replaces aspartic acid 3482 with asparagine.
Molecular consequence: missense variant.
Genome position (GRCh38, 1-based): chr17:78,453,428, C>T on the plus strand (G>A on the coding strand, the complement: DNAH17 is on the minus strand). VCF-style: chr17-78453428-C-T. GRCh37 (hg19) VCF-style: chr17-76449510-C-T.
Other names: short protein forms D3482N.
Identifiers: ClinVar variation 3034374 (VCV003034374.2), dbSNP rs34868091, ClinGen allele CA8800841.

ClinVar aggregate classification (germline): Benign (0 of 4 stars; one submission).

Conditions:
DNAH17-related disorder. Also called: DNAH17-related condition.

Allele frequency attached by ClinVar (database versions not stated): ExAC 0.00408; 1000 Genomes Project 0.01398; ESP Exome Variant Server 0.01407; 1000 Genomes Project 30x 0.01515.
gnomAD v4.1: 3,618 of 1,613,988 alleles (0.22%); highest among the groups gnomAD compares: African/African-American, 4.3%; 100 homozygotes.

Submission:

PreventionGenetics, part of Exact Sciences
Classification: Benign for DNAH17-related condition. Last evaluated: 2024-08-17. Review status: no assertion criteria provided. Collection method: clinical testing. Allele origin: germline.
Comment: This variant is classified as benign based on ACMG/AMP sequence variant interpretation guidelines (Richards et al. 2015 PMID: 25741868, with internal and published modifications).